The following is an entry in ClinVar:

NM_201384.3(PLEC):c.2613-19T>A

Gene: PLEC (plectin; minus strand). Cytogenetic location: 8q24.3.
Variant type: single nucleotide variant.
Coding change: c.2613-19T>A on transcript NM_201384.3 (MANE Select); 19 bases into the intron before coding-DNA position 2613, T replaced by A.
Molecular consequence: intron variant.
Genome position (GRCh38, 1-based): chr8:143,930,081, A>T on the plus strand (T>A on the coding strand, the complement: PLEC is on the minus strand). VCF-style: chr8-143930081-A-T. GRCh37 (hg19) VCF-style: chr8-145004249-A-T.
Other names: c.2694-19T>A (NM_000445.5); c.2571-19T>A (NM_201378.4); c.2547-19T>A (NM_201379.3); c.3024-19T>A (NM_201380.4); c.2517-19T>A (NM_201381.3); c.2613-19T>A (NM_201382.4); c.2625-19T>A (NM_201383.3).
Identifiers: ClinVar variation 386989 (VCV000386989.6), dbSNP rs200549149, ClinGen allele CA4927445.

ClinVar aggregate classification (germline): Likely benign. Review status: criteria provided, multiple submitters, no conflicts (2 of 4 stars). 2 submissions from 2 submitters: Likely benign (2). Last evaluated 2024-11-03.

Conditions:
Epidermolysis bullosa simplex with nail dystrophy (EBS5D). Identifiers: MedGen C4225309, MONDO:0014661, OMIM 616487.
Epidermolysis bullosa simplex 5B, with muscular dystrophy (EBS5B). Also called: EPIDERMOLYSIS BULLOSA SIMPLEX AND LIMB-GIRDLE MUSCULAR DYSTROPHY; Epidermolysis bullosa simplex with muscular dystrophy. Identifiers: Orphanet 257, MedGen C2931072, MONDO:0009181, OMIM 226670.
Epidermolysis bullosa simplex, Ogna type (EBS5A). Also called: Pidermolysis bullosa simplex 5A, Ogna type; EPIDERMOLYSIS BULLOSA SIMPLEX 5A, OGNA TYPE. Identifiers: Orphanet 79401, MedGen C0432317, MONDO:0007555, OMIM 131950.
Autosomal recessive limb-girdle muscular dystrophy type 2Q (LGMDR17). Also called: MUSCULAR DYSTROPHY, LIMB-GIRDLE, AUTOSOMAL RECESSIVE 17. Identifiers: Orphanet 254361, MedGen C3150989, MONDO:0013390, OMIM 613723.
Epidermolysis bullosa simplex 5C, with pyloric atresia (EBS5C). Also called: PLEC-Related Epidermolysis Bullosa with Pyloric Atresia; Epidermolysis bullosa simplex with pyloric atresia; PLEC1-Related Epidermolysis Bullosa with Pyloric Atresia. Identifiers: Orphanet 158684, MedGen C2677349, MONDO:0012807, OMIM 612138.

Allele frequency attached by ClinVar (database versions not stated): ExAC 0.00001.
gnomAD v4.1: 12 of 1,607,622 alleles (0.00075%); highest among the groups gnomAD compares: Non-Finnish European, 0.001%; no homozygotes.

Submissions (2):

Labcorp Genetics (formerly Invitae), Labcorp
Classification: Likely benign for Autosomal recessive limb-girdle muscular dystrophy type 2Q; Epidermolysis bullosa simplex, Ogna type; Epidermolysis bullosa simplex with nail dystrophy; Epidermolysis bullosa simplex 5C, with pyloric atresia; Epidermolysis bullosa simplex 5B, with muscular dystrophy. Last evaluated: 2024-11-03. Review status: criteria provided, single submitter. Criteria: Invitae Variant Classification Sherloc (09022015). Collection method: clinical testing. Allele origin: germline.

GeneDx
Classification: Likely benign. Last evaluated: 2016-07-07. Review status: criteria provided, single submitter. Criteria: GeneDx Variant Classification (06012015). Collection method: clinical testing. Allele origin: germline. Affected: yes.
Comment: This variant is considered likely benign or benign based on one or more of the following criteria: it is a conservative change, it occurs at a poorly conserved position in the protein, it is predicted to be benign by multiple in silico algorithms, and/or has population frequency not consistent with disease.